The following is an entry in ClinVar:

NM_198576.4(AGRN):c.4339G>A (p.Val1447Met)

Gene: AGRN (agrin; plus strand). Cytogenetic location: 1p36.33.
Variant type: single nucleotide variant.
Coding change: c.4339G>A on transcript NM_198576.4 (MANE Select); coding-DNA position 4339, G replaced by A.
Protein change: p.Val1447Met; replaces valine 1447 with methionine.
Molecular consequence: missense variant.
Genome position (GRCh38, 1-based): chr1:1,049,276, G>A. VCF-style: chr1-1049276-G-A. GRCh37 (hg19) VCF-style: chr1-984656-G-A.
Other names: p.Val1447Met; c.4339G>A, p.Val1447Met (NM_001305275.2); c.4024G>A, p.Val1342Met (NM_001364727.2); short protein forms V1342M, V1447M.
Identifiers: ClinVar variation 641458 (VCV000641458.13), dbSNP rs201436229, ClinGen allele CA509432.

ClinVar aggregate classification (germline): Conflicting classifications of pathogenicity. Review status: criteria provided, conflicting classifications (1 of 4 stars). 5 submissions from 5 submitters: Uncertain significance (4); Likely benign (1). Last evaluated 2026-02-04.

Conditions:
AGRN-related disorder. Also called: AGRN-related condition.
Congenital myasthenic syndrome 8. Also called: MYASTHENIC SYNDROME, CONGENITAL, DUE TO AGRIN DEFICIENCY; Myasthenic syndrome, congenital, 8, with pre- and postsynaptic defects. Identifiers: Orphanet 590, MedGen C3808739, MONDO:0014052, OMIM 615120.

Allele frequency attached by ClinVar (database versions not stated): ESP Exome Variant Server 0.00008; TOPMed 0.00022; 1000 Genomes Project 30x 0.00031; 1000 Genomes Project 0.00040; ExAC 0.00118.
gnomAD v4.1: 815 of 1,595,508 alleles (0.051%); highest among the groups gnomAD compares: Non-Finnish European, 0.061%; 2 homozygotes.

Submissions (5):

GeneDx
Classification: Uncertain significance. Last evaluated: 2026-02-04. Review status: criteria provided, single submitter. Criteria: GeneDx Variant Classification Process June 2021. Collection method: clinical testing. Allele origin: germline.
Comment: In silico analysis suggests that this missense variant does not alter protein structure/function; Has not been previously published as pathogenic or benign to our knowledge

PreventionGenetics, part of Exact Sciences
Classification: Likely benign for AGRN-related condition. Last evaluated: 2025-12-04. Review status: criteria provided, single submitter. Criteria: ACMG Guidelines, 2015. Collection method: clinical testing. Allele origin: germline.
Comment: This variant is classified as likely benign based on ACMG/AMP sequence variant interpretation guidelines (Richards et al. 2015 PMID: 25741868, with internal and published modifications).

Mayo Clinic Laboratories, Mayo Clinic
Classification: Uncertain significance. Last evaluated: 2024-08-01. Review status: criteria provided, single submitter. Criteria: ACMG Guidelines, 2015. Collection method: clinical testing. Allele origin: germline. Observed: 1 variant allele.

Revvity Omics, Revvity
Classification: Uncertain significance for Congenital myasthenic syndrome 8. Last evaluated: 2023-02-03. Review status: criteria provided, single submitter. Criteria: ACMG Guidelines, 2015. Collection method: clinical testing. Allele origin: germline.

Labcorp Genetics (formerly Invitae), Labcorp
Classification: Uncertain significance for Congenital myasthenic syndrome 8. Last evaluated: 2022-09-24. Review status: criteria provided, single submitter. Criteria: Invitae Variant Classification Sherloc (09022015). Collection method: clinical testing. Allele origin: germline.
Comment: This sequence change replaces valine, which is neutral and non-polar, with methionine, which is neutral and non-polar, at codon 1447 of the AGRN protein (p.Val1447Met). This variant is present in population databases (rs201436229, gnomAD 0.09%), and has an allele count higher than expected for a pathogenic variant. This variant has not been reported in the literature in individuals affected with AGRN-related conditions. ClinVar contains an entry for this variant (Variation ID: 641458). Algorithms developed to predict the effect of missense changes on protein structure and function are either unavailable or do not agree on the potential impact of this missense change (SIFT: "Deleterious"; PolyPhen-2: "Probably Damaging"; Align-GVGD: "Class C0"). In summary, the available evidence is currently insufficient to determine the role of this variant in disease. Therefore, it has been classified as a Variant of Uncertain Significance.